The following is an entry in ClinVar:

ClinVar aggregate classification (germline): Likely benign (1 of 4 stars; one submission).

Conditions:
Epidermolysis bullosa simplex due to plakophilin deficiency. Also called: MCGRATH SYNDROME. Identifiers: Orphanet 158668, MedGen C1858302, MONDO:0011472, OMIM 604536.

Allele frequency attached by ClinVar (database versions not stated): 1000 Genomes Project 30x 0.00203; 1000 Genomes Project 0.00220; gnomAD 0.00267 and 0.00293; TOPMed 0.00288.

Submission:

Illumina Laboratory Services, Illumina
Classification: Likely benign for Epidermolysis bullosa simplex due to plakophilin deficiency. Last evaluated: 2018-01-12. Review status: criteria provided, single submitter. Criteria: ICSL Variant Classification Criteria 13 December 2019. Collection method: clinical testing. Allele origin: germline.
Comment: This variant was observed in the ICSL laboratory as part of a predisposition screen in an ostensibly healthy population. It had not been previously curated by ICSL or reported in the Human Gene Mutation Database (HGMD: prior to June 1st, 2018), and was therefore a candidate for classification through an automated scoring system. Utilizing variant allele frequency, disease prevalence and penetrance estimates, and inheritance mode, an automated score was calculated to assess if this variant is too frequent to cause the disease. Based on the score and internal cut-off values, a variant classified as likely benign is not then subjected to further curation. The score for this variant resulted in a classification of likely benign for this disease.

NM_001005337.3(PKP1):c.*786A>G

Gene: PKP1 (plakophilin 1; plus strand). Cytogenetic location: 1q32.1.
Variant type: single nucleotide variant.
Coding change: c.*786A>G on transcript NM_001005337.3 (MANE Select); 786 bases downstream of the stop codon, A replaced by G.
Molecular consequence: 3 prime UTR variant.
Genome position (GRCh38, 1-based): chr1:201,330,827, A>G. VCF-style: chr1-201330827-A-G. GRCh37 (hg19) VCF-style: chr1-201299955-A-G.
Other names: c.*786A>G (NM_000299.4).
Identifiers: ClinVar variation 874213 (VCV000874213.4), dbSNP rs149894452, ClinGen allele CA35394169.